The following is an entry in ClinVar:

NM_078629.4(MSL3):c.961C>T (p.Gln321Ter)

Gene: MSL3 (MSL complex subunit 3; plus strand). Cytogenetic location: Xp22.2.
Variant type: single nucleotide variant.
Coding change: c.961C>T on transcript NM_078629.4 (MANE Select); coding-DNA position 961, C replaced by T.
Protein change: p.Gln321Ter; replaces glutamine 321 with a stop codon.
Molecular consequence: nonsense.
Genome position (GRCh38, 1-based): chrX:11,765,519, C>T. VCF-style: chrX-11765519-C-T. GRCh37 (hg19) VCF-style: chrX-11783638-C-T.
Other names: c.925C>T, p.Gln309Ter (NM_001193270.2); c.514C>T, p.Gln172Ter (NM_001282174.1); c.463C>T, p.Gln155Ter (NM_006800.4); c.961C>T, p.Gln321Ter (NM_078628.2); short protein forms Q172*, Q309*, Q155*, Q321*.
Identifiers: ClinVar variation 972995 (VCV000972995.4), dbSNP rs2053172723, ClinGen allele CA412065733.

ClinVar aggregate classification (germline): Pathogenic/Likely pathogenic. Review status: criteria provided, multiple submitters, no conflicts (2 of 4 stars). 2 submissions from 2 submitters: Pathogenic (1); Likely pathogenic (1). Last evaluated 2023-02-24.

Conditions:
MSL3-related disorder. Also called: MSL3-related condition.
Basilicata-Akhtar syndrome. Also called: MENTAL RETARDATION, X-LINKED, SYNDROMIC, BASILICATA-AKHTAR TYPE; INTELLECTUAL DEVELOPMENTAL DISORDER, X-LINKED, SYNDROMIC, 36. Identifiers: MedGen C5231394, MONDO:0026730, OMIM 301032.

Submissions (2):

Blueprint Genetics
Classification: Pathogenic for MSL3-related disorders. Last evaluated: 2023-02-24. Review status: criteria provided, single submitter. Criteria: ACMG Guidelines, 2015. Collection method: clinical testing. Allele origin: germline. Affected: yes. Observed: 1 variant allele.

3billion
Classification: Likely pathogenic for Basilicata-Akhtar syndrome. Last evaluated: 2022-09-01. Review status: criteria provided, single submitter. Criteria: ACMG Guidelines, 2015. Collection method: clinical testing. Allele origin: germline. Affected: yes. Observed: 1 heterozygote.
Comment: The variant is not observed in the gnomAD v2.1.1 dataset. Stop-gained (nonsense) is predicted to result in a loss or disruption of normal protein function through nonsense-mediated decay (NMD) or protein truncation. Multiple pathogenic variants are reported downstream of the variant. Therefore, this variant is classified as Likely pathogenic according to the recommendation of ACMG/AMP guideline.